The following is an entry in ClinVar:

ClinVar aggregate classification (germline): Likely benign (0 of 4 stars; one submission).

Conditions:
SCP2-related disorder. Also called: SCP2-related condition.

gnomAD v4.1: 2 of 1,614,018 alleles (0.00012%); highest among the groups gnomAD compares: East Asian, 0.0045%; no homozygotes.

Submission:

PreventionGenetics, part of Exact Sciences
Classification: Likely benign for SCP2-related condition. Last evaluated: 2024-03-22. Review status: no assertion criteria provided. Collection method: clinical testing. Allele origin: germline.
Comment: This variant is classified as likely benign based on ACMG/AMP sequence variant interpretation guidelines (Richards et al. 2015 PMID: 25741868, with internal and published modifications).

NM_002979.5(SCP2):c.324T>A (p.Ile108=)

Gene: SCP2 (sterol carrier protein 2; plus strand). Cytogenetic location: 1p32.3.
Variant type: single nucleotide variant.
Coding change: c.324T>A on transcript NM_002979.5 (MANE Select); coding-DNA position 324, T replaced by A.
Protein change: p.Ile108=; no amino-acid change (isoleucine 108 retained).
Molecular consequence: synonymous variant. On other transcripts: intron variant (2).
Genome position (GRCh38, 1-based): chr1:52,950,879, T>A. VCF-style: chr1-52950879-T-A. GRCh37 (hg19) VCF-style: chr1-53416551-T-A.
Other names: c.252T>A, p.Ile84= (NM_001193599.2); c.81T>A, p.Ile27= (NM_001193617.2); c.324T>A, p.Ile108= (NM_001330587.2); c.199+2799T>A (NM_001193600.2, NM_001007098.3).
Identifiers: ClinVar variation 3349461 (VCV003349461.1).